The following is an entry in ClinVar:

ClinVar aggregate classification (germline): Uncertain significance (1 of 4 stars; one submission).

Conditions:
Brugada syndrome. Also called: Sudden Unexplained Death Syndrome; Sudden Unexplained Nocturnal Death Syndrome (SUNDS); Sudden unexpected nocturnal death syndrome; Sudden unexplained nocturnal death syndrome. Identifiers: Orphanet 130, MedGen C1142166, MONDO:0015263.

Allele frequency attached by ClinVar (database versions not stated): TOPMed below 0.00001.
gnomAD v4.1: 2 of 1,559,450 alleles (0.00013%); highest among the groups gnomAD compares: Non-Finnish European, 0.00018%; no homozygotes.

Submission:

Labcorp Genetics (formerly Invitae), Labcorp
Classification: Uncertain significance for Brugada syndrome. Last evaluated: 2024-05-20. Review status: criteria provided, single submitter. Criteria: Invitae Variant Classification Sherloc (09022015). Collection method: clinical testing. Allele origin: germline.
Comment: This sequence change falls in intron 26 of the CACNA2D1 gene. It does not directly change the encoded amino acid sequence of the CACNA2D1 protein. It affects a nucleotide within the consensus splice site. This variant is present in population databases (no rsID available, gnomAD 0.0009%). This variant has not been reported in the literature in individuals affected with CACNA2D1-related conditions. Variants that disrupt the consensus splice site are a relatively common cause of aberrant splicing (PMID: 17576681, 9536098). Algorithms developed to predict the effect of sequence changes on RNA splicing suggest that this variant is not likely to affect RNA splicing. In summary, the available evidence is currently insufficient to determine the role of this variant in disease. Therefore, it has been classified as a Variant of Uncertain Significance.

Literature cited by the submitters: PubMed 17576681; PubMed 9536098.

NM_000722.4(CACNA2D1):c.2142-3C>T

Gene: CACNA2D1 (calcium voltage-gated channel auxiliary subunit alpha2delta 1; minus strand). Cytogenetic location: 7q21.11.
Variant type: single nucleotide variant.
Coding change: c.2142-3C>T on transcript NM_000722.4 (MANE Select); 3 bases into the intron before coding-DNA position 2142, C replaced by T.
Molecular consequence: intron variant.
Genome position (GRCh38, 1-based): chr7:81,970,740, G>A on the plus strand (C>T on the coding strand, the complement: CACNA2D1 is on the minus strand). VCF-style: chr7-81970740-G-A. GRCh37 (hg19) VCF-style: chr7-81600056-G-A.
Other names: c.2178-3C>T (NM_001366867.1).
Identifiers: ClinVar variation 2881261 (VCV002881261.3), dbSNP rs1285172483, ClinGen allele CA575808198.
Genomic context (GRCh38, chr7:81,970,740, plus strand): 5'-GGGATAAACTCTGGTAATCCCACCATCAGTCACAACAAATCGTGCTTTCACTCCCTTGCT[G>A]AAACAGAAGACAAAACAAGGAAATGTTCTATTGAACATATTCTAAAAAACAAAGTTAGGT-3'